The following is an entry in ClinVar:

ClinVar aggregate classification (germline): Likely pathogenic (1 of 4 stars; one submission).

Conditions:
Deficiency of aromatic-L-amino-acid decarboxylase. Also called: Aromatic amino acid decarboxylase deficiency; Aromatic L-Amino Acid Decarboxylase Deficiency; AADC DEFICIENCY; DDC DEFICIENCY; DOPA DECARBOXYLASE DEFICIENCY. Identifiers: Orphanet 35708, MedGen C1291564, MONDO:0012084, OMIM 608643.

Allele frequency attached by ClinVar (database versions not stated): gnomAD exomes below 0.00001; TOPMed below 0.00001.
gnomAD v4.1: 4 of 1,611,800 alleles (0.00025%); highest among the groups gnomAD compares: East Asian, 0.0089%; no homozygotes.

Submission:

Labcorp Genetics (formerly Invitae), Labcorp
Classification: Likely pathogenic for Deficiency of aromatic-L-amino-acid decarboxylase. Last evaluated: 2023-10-22. Review status: criteria provided, single submitter. Criteria: Invitae Variant Classification Sherloc (09022015). Collection method: clinical testing. Allele origin: germline.
Comment: This sequence change affects an acceptor splice site in intron 10 of the DDC gene. It is expected to disrupt RNA splicing. Variants that disrupt the donor or acceptor splice site typically lead to a loss of protein function (PMID: 16199547), and loss-of-function variants in DDC are known to be pathogenic (PMID: 15079002, 24788355). This variant is not present in population databases (gnomAD no frequency). This variant has not been reported in the literature in individuals affected with DDC-related conditions. Algorithms developed to predict the effect of sequence changes on RNA splicing suggest that this variant may disrupt the consensus splice site. In summary, the currently available evidence indicates that the variant is pathogenic, but additional data are needed to prove that conclusively. Therefore, this variant has been classified as Likely Pathogenic.

Literature cited by the submitters: PubMed 16199547; PubMed 15079002; PubMed 24788355.

NM_001082971.2(DDC):c.1022-1G>A

Gene: DDC (dopa decarboxylase; minus strand). Cytogenetic location: 7p12.2.
Variant type: single nucleotide variant.
Coding change: c.1022-1G>A on transcript NM_001082971.2 (MANE Select); the canonical splice acceptor site of the intron before coding-DNA position 1022, G replaced by A.
Molecular consequence: splice acceptor variant.
Genome position (GRCh38, 1-based): chr7:50,476,644, C>T on the plus strand (G>A on the coding strand, the complement: DDC is on the minus strand). VCF-style: chr7-50476644-C-T. GRCh37 (hg19) VCF-style: chr7-50544342-C-T.
Other names: c.788-1G>A (NM_001242888.2); c.908-1G>A (NM_001242886.2); c.743-1G>A (NM_001242889.2); c.878-1G>A (NM_001242887.2); c.1022-1G>A (NM_000790.4).
Identifiers: ClinVar variation 2855706 (VCV002855706.3), dbSNP rs1289397237, ClinGen allele CA367534785.